The following is an entry in ClinVar:

ClinVar aggregate classification (germline): Uncertain significance (1 of 4 stars; one submission).

Conditions:
Generalized epilepsy with febrile seizures plus, type 7 (GEFSP7). Also called: GEFS+, TYPE 7. Identifiers: Orphanet 36387, MedGen C2751778, MONDO:0013470, OMIM 613863.
Neuropathy, hereditary sensory and autonomic, type 2A (HSAN2A). Also called: HSAN IIA; MORVAN DISEASE; NEUROPATHY, CONGENITAL SENSORY; NEUROPATHY, HEREDITARY SENSORY RADICULAR, AUTOSOMAL RECESSIVE; NEUROPATHY, HEREDITARY SENSORY, TYPE IIA; NEUROPATHY, PROGRESSIVE SENSORY, OF CHILDREN. Identifiers: Orphanet 970, MedGen C2752089, MONDO:0024309, OMIM 201300.

Submission:

Labcorp Genetics (formerly Invitae), Labcorp
Classification: Uncertain significance for Neuropathy, hereditary sensory and autonomic, type 2A; Generalized epilepsy with febrile seizures plus, type 7. Last evaluated: 2019-06-20. Review status: criteria provided, single submitter. Criteria: Invitae Variant Classification Sherloc (09022015). Collection method: clinical testing. Allele origin: germline.
Comment: This variant has not been reported in the literature in individuals with SCN9A-related conditions. In summary, the available evidence is currently insufficient to determine the role of this variant in disease. Therefore, it has been classified as a Variant of Uncertain Significance. Algorithms developed to predict the effect of missense changes on protein structure and function are either unavailable or do not agree on the potential impact of this missense change (SIFT: "Tolerated"; PolyPhen-2: "Probably Damaging"; Align-GVGD: "Class C0"). This variant is not present in population databases (ExAC no frequency). This sequence change replaces arginine with glycine at codon 1837 of the SCN9A protein (p.Arg1837Gly). The arginine residue is highly conserved and there is a moderate physicochemical difference between arginine and glycine.

NM_001365536.1(SCN9A):c.5542C>G (p.Arg1848Gly)

Genes: SCN9A (sodium voltage-gated channel alpha subunit 9; minus strand), SCN1A-AS1 (SCN1A and SCN9A antisense RNA 1; plus strand). Cytogenetic location: 2q24.3.
Variant type: single nucleotide variant.
Coding change: c.5542C>G on transcript NM_001365536.1 (MANE Select); coding-DNA position 5542, C replaced by G.
Protein change: p.Arg1848Gly; replaces arginine 1848 with glycine.
Molecular consequence: missense variant.
Genome position (GRCh38, 1-based): chr2:166,199,097, G>C on the plus strand (C>G on the coding strand, the complement: SCN9A is on the minus strand). VCF-style: chr2-166199097-G-C. GRCh37 (hg19) VCF-style: chr2-167055607-G-C.
Other names: c.5509C>G, p.Arg1837Gly (NM_002977.4); short protein forms R1848G, R1837G.
Identifiers: ClinVar variation 942729 (VCV000942729.10), dbSNP rs1381335907, ClinGen allele CA349052435.